The following is an entry in ClinVar:

ClinVar aggregate classification (germline): Likely benign (1 of 4 stars; one submission).

Submission:

CeGaT Center for Human Genetics Tuebingen
Classification: Likely benign. Last evaluated: 2022-12-01. Review status: criteria provided, single submitter. Criteria: CeGaT Center For Human Genetics Tuebingen Variant Classification Criteria Version 2. Collection method: clinical testing. Allele origin: germline. Affected: yes. Observed: 1 variant allele.
Comment: FOCAD: BP4, BS2

NM_001375567.1(FOCAD):c.4729-5_4729-4insTTTTTTTTTTTTTTTTTTTTTTTTTTTTTTTTTTT

Gene: FOCAD (focadhesin; plus strand). Cytogenetic location: 9p21.3.
Variant type: Insertion.
Coding change: c.4729-5_4729-4insTTTTTTTTTTTTTTTTTTTTTTTTTTTTTTTTTTT on transcript NM_001375567.1 (MANE Select); 5 bases into the intron before coding-DNA position 4729 through 4 bases into the intron before coding-DNA position 4729, TTTTTTTTTTTTTTTTTTTTTTTTTTTTTTTTTTT inserted.
Molecular consequence: intron variant.
Genome position: GRCh38: chr9:20,986,283-20,986,284. GRCh37 (hg19): chr9:20,986,282-20,986,283.
Other names: c.4729-5_4729-4insTTTTTTTTTTTTTTTTTTTTTTTTTTTTTTTTTTT (NM_017794.5); c.4624-5_4624-4insTTTTTTTTTTTTTTTTTTTTTTTTTTTTTTTTTTT (NM_001375568.1, NM_001375570.1).
Identifiers: ClinVar variation 2659120 (VCV002659120.24), dbSNP rs545976303, ClinGen allele CA1122104619.